The following is an entry in ClinVar:

ClinVar aggregate classification (germline): Uncertain significance. Review status: criteria provided, multiple submitters, no conflicts (2 of 4 stars). 2 submissions from 2 submitters: Uncertain significance (2). Last evaluated 2022-02-09.

Conditions:
Dyggve-Melchior-Clausen syndrome (DMC). Also called: Dyggve-Melchior-Clausen disease; DMC syndrome. Identifiers: Orphanet 239, MedGen C0265286, MONDO:0009130, OMIM 223800.
Smith-McCort dysplasia 1 (SMC1). Also called: Smith-McCort dwarfism. Identifiers: MedGen C3888088, MONDO:0011814, OMIM 607326.

Allele frequency attached by ClinVar (database versions not stated): gnomAD exomes 0.00001; gnomAD 0.00003; TOPMed 0.00004; ExAC 0.00012.
gnomAD v4.1: 24 of 1,613,884 alleles (0.0015%); highest among the groups gnomAD compares: East Asian, 0.04%; no homozygotes.

Submissions (2):

Labcorp Genetics (formerly Invitae), Labcorp
Classification: Uncertain significance. Last evaluated: 2022-02-09. Review status: criteria provided, single submitter. Criteria: Invitae Variant Classification Sherloc (09022015). Collection method: clinical testing. Allele origin: germline.
Comment: This sequence change replaces alanine, which is neutral and non-polar, with valine, which is neutral and non-polar, at codon 472 of the DYM protein (p.Ala472Val). This variant is present in population databases (rs750583247, gnomAD 0.1%). This variant has not been reported in the literature in individuals affected with DYM-related conditions. Algorithms developed to predict the effect of missense changes on protein structure and function are either unavailable or do not agree on the potential impact of this missense change (SIFT: "Deleterious"; PolyPhen-2: "Possibly Damaging"; Align-GVGD: "Class C15"). Algorithms developed to predict the effect of sequence changes on RNA splicing suggest that this variant may create or strengthen a splice site. In summary, the available evidence is currently insufficient to determine the role of this variant in disease. Therefore, it has been classified as a Variant of Uncertain Significance.

Juno Genomics, Hangzhou Juno Genomics, Inc
Classification: Uncertain significance for Dyggve-Melchior-Clausen syndrome; Smith-McCort dysplasia 1. Review status: criteria provided, single submitter. Criteria: ACMG Guidelines, 2015. Collection method: clinical testing. Allele origin: germline.
Comment: Absent from controls (or at extremely low frequency if recessive) in Genome Aggregation Database.;Multiple lines of computational evidence support a deleterious effect on the gene or gene product.

NM_001353214.3(DYM):c.1415C>T (p.Ala472Val)

Gene: DYM (dymeclin; minus strand). Cytogenetic location: 18q21.1.
Variant type: single nucleotide variant.
Coding change: c.1415C>T on transcript NM_001353214.3 (MANE Select); coding-DNA position 1415, C replaced by T.
Protein change: p.Ala472Val; replaces alanine 472 with valine.
Molecular consequence: missense variant.
Genome position (GRCh38, 1-based): chr18:49,257,055, G>A on the plus strand (C>T on the coding strand, the complement: DYM is on the minus strand). VCF-style: chr18-49257055-G-A. GRCh37 (hg19) VCF-style: chr18-46783425-G-A.
Other names: c.1415C>T, p.Ala472Val (NM_001353215.3, NM_001353216.3, NM_001374428.1 and 5 more transcripts); c.1409C>T, p.Ala470Val (NM_001374429.1, NM_001374439.1); c.1289C>T, p.Ala430Val (NM_001374432.1, NM_001374436.1); c.845C>T, p.Ala282Val (NM_001374444.1, NM_001374441.1, NM_001374442.1); c.1412C>T, p.Ala471Val (NM_001353210.3, NM_001353211.3, NM_001353212.3 and 3 more transcripts); c.1232C>T, p.Ala411Val (NM_001374437.1); c.1187C>T, p.Ala396Val (NM_001374440.1); c.842C>T, p.Ala281Val (NM_001374443.1); short protein forms A411V, A430V, A470V, A471V, A281V, A396V, A282V, A472V.
Identifiers: ClinVar variation 2064244 (VCV002064244.3), dbSNP rs750583247, ClinGen allele CA8958091.
Genomic context (GRCh38, chr18:49,257,055, plus strand): 5'-AAAGTTCATATTTACCTGATGATCCTCTGGGCAGCATACTGATGGAGAGAACGAAACTGT[G>A]CCGACATATTTGCTAAAGCTGCCAAACAATTTGTGTGAAGGTACTTGTCCTGTGAGGAAA-3'
Protein context (NP_001340143.1, residues 462-482): NCLAALANMS[Ala472Val]QFRSLHQYAA